The following is an entry in ClinVar:

ClinVar aggregate classification (germline): Likely pathogenic (1 of 4 stars; one submission).

Conditions:
Autosomal recessive nonsyndromic hearing loss 3. Also called: NEUROSENSORY NONSYNDROMIC RECESSIVE DEAFNESS 3. Identifiers: Orphanet 90636, MedGen C1838263, MONDO:0010860, OMIM 600316.

Submission:

Institute of Rare Diseases, West China Hospital, Sichuan University
Classification: Likely pathogenic for Autosomal recessive nonsyndromic hearing loss 3. Last evaluated: 2025-01-09. Review status: criteria provided, single submitter. Criteria: ClinGen HL ACMG Specifications v1. Collection method: research. Allele origin: germline. Affected: yes.
Comment: PM3_Strong;PM5;PM2_Supporting;PP3

NM_016239.4(MYO15A):c.4671G>C (p.Lys1557Asn)

Gene: MYO15A (myosin XVA; plus strand). Cytogenetic location: 17p11.2.
Variant type: single nucleotide variant.
Coding change: c.4671G>C on transcript NM_016239.4 (MANE Select); coding-DNA position 4671, G replaced by C.
Protein change: p.Lys1557Asn; replaces lysine 1557 with asparagine.
Molecular consequence: missense variant.
Genome position (GRCh38, 1-based): chr17:18,136,578, G>C. VCF-style: chr17-18136578-G-C. GRCh37 (hg19) VCF-style: chr17-18039892-G-C.
Other names: short protein forms K1557N.
Identifiers: ClinVar variation 3601343 (VCV003601343.1).
Genomic context (GRCh38, chr17:18,136,578, plus strand): 5'-CCCCACCACGGTGTCCTGCTCACACCAGCACCACCTCTGCTCCAGGGACGCCATCGCCAA[G>C]GTCTTGTATGCACTGCTGTTCAGCTGGCTCATCACCAGGGTCAACGCGCTGGTGTCCCCA-3'
Protein context (NP_057323.3, residues 1547-1567): SAVDARDAIA[Lys1557Asn]VLYALLFSWL